The following is an entry in ClinVar:

NM_000124.4(ERCC6):c.2614G>T (p.Glu872Ter)

Gene: ERCC6 (ERCC excision repair 6, chromatin remodeling factor; minus strand). Cytogenetic location: 10q11.23.
Variant type: single nucleotide variant.
Coding change: c.2614G>T on transcript NM_000124.4 (MANE Select); coding-DNA position 2614, G replaced by T.
Protein change: p.Glu872Ter; replaces glutamic acid 872 with a stop codon.
Molecular consequence: nonsense.
Genome position (GRCh38, 1-based): chr10:49,473,572, C>A on the plus strand (G>T on the coding strand, the complement: ERCC6 is on the minus strand). VCF-style: chr10-49473572-C-A. GRCh37 (hg19) VCF-style: chr10-50681618-C-A.
Other names: c.2614G>T, p.Glu872Ter (NM_001346440.2); short protein forms E872*.
Identifiers: ClinVar variation 3007883 (VCV003007883.3), dbSNP rs2495982991, ClinGen allele CA376720340.

ClinVar aggregate classification (germline): Pathogenic (1 of 4 stars; one submission).

Submission:

Labcorp Genetics (formerly Invitae), Labcorp
Classification: Pathogenic. Last evaluated: 2024-02-02. Review status: criteria provided, single submitter. Criteria: Invitae Variant Classification Sherloc (09022015). Collection method: clinical testing. Allele origin: germline.
Comment: This sequence change creates a premature translational stop signal (p.Glu872*) in the ERCC6 gene. It is expected to result in an absent or disrupted protein product. Loss-of-function variants in ERCC6 are known to be pathogenic (PMID: 18628313, 29572252). This variant is not present in population databases (gnomAD no frequency). This variant has not been reported in the literature in individuals affected with ERCC6-related conditions. Algorithms developed to predict the effect of sequence changes on RNA splicing suggest that this variant may disrupt the consensus splice site. For these reasons, this variant has been classified as Pathogenic.

Literature cited by the submitters: PubMed 18628313; PubMed 29572252.